The following is an entry in ClinVar:

ClinVar aggregate classification (germline): Uncertain significance. Review status: criteria provided, multiple submitters, no conflicts (2 of 4 stars). 2 submissions from 2 submitters: Uncertain significance (2). Last evaluated 2026-06-15.

Conditions:
Cohen syndrome (COH1). Also called: PEPPER SYNDROME; Cutis verticis gyrata, retinitis pigmentosa, and sensorineural deafness. Identifiers: Orphanet 193, MedGen C0265223, MONDO:0008999, OMIM 216550.
VPS13B-related disorder. Also called: VPS13B-related condition.

gnomAD v4.1: 2 of 1,614,048 alleles (0.00012%); highest among the groups gnomAD compares: Non-Finnish European, 0.00017%; no homozygotes.

Submissions (2):

Myriad Genetics, Inc.
Classification: Uncertain significance for Cohen syndrome. Last evaluated: 2026-06-15. Review status: criteria provided, single submitter. Criteria: Myriad Autosomal Dominant, Autosomal Recessive and X-Linked Classification Criteria (2023). Collection method: clinical testing. Allele origin: unknown.
Comment: NM_017890.4(VPS13B):c.4283C>G(S1428C) is a missense variant classified as a variant of uncertain significance in the context of Cohen syndrome. S1428C has not been observed in cases with relevant disease. Relevant functional assessments of this variant are not available in the literature. S1428C has not been observed in referenced population frequency databases. In summary, there is insufficient evidence to classify NM_017890.4(VPS13B):c.4283C>G(S1428C) as pathogenic or benign. Please note: this variant was assessed in the context of healthy population screening.

PreventionGenetics, part of Exact Sciences
Classification: Uncertain significance for VPS13B-related condition. Last evaluated: 2025-06-09. Review status: criteria provided, single submitter. Criteria: ACMG Guidelines, 2015. Collection method: clinical testing. Allele origin: germline.
Comment: The VPS13B c.4283C>G variant is predicted to result in the amino acid substitution p.Ser1428Cys. To our knowledge, this variant has not been reported in the literature or in a large population database (gnomAD), indicating this variant is rare. At this time, the clinical significance of this variant is uncertain due to the absence of conclusive functional and genetic evidence.

NM_017890.5(VPS13B):c.4283C>G (p.Ser1428Cys)

Gene: VPS13B (vacuolar protein sorting 13 homolog B; plus strand). Cytogenetic location: 8q22.2.
Variant type: single nucleotide variant.
Coding change: c.4283C>G on transcript NM_017890.5 (MANE Plus Clinical); coding-DNA position 4283, C replaced by G.
Protein change: p.Ser1428Cys; replaces serine 1428 with cysteine.
Molecular consequence: missense variant. On other transcripts: intron variant (1).
Genome position (GRCh38, 1-based): chr8:99,507,895, C>G. VCF-style: chr8-99507895-C-G. GRCh37 (hg19) VCF-style: chr8-100520123-C-G.
Other names: c.4224+692C>G (NM_152564.5); short protein forms S1428C.
Identifiers: ClinVar variation 5002181 (VCV005002181.1).